The following is an entry in ClinVar:

ClinVar aggregate classification (germline): Uncertain significance (1 of 4 stars; one submission).

Conditions:
Fanconi anemia complementation group J. Also called: BRIP1-Related Fanconi Anemia. Identifiers: Orphanet 84, MedGen C1836860, MONDO:0012187, OMIM 609054.
Familial cancer of breast. Also called: BREAST CANCER, FAMILIAL; hereditary breast carcinoma; Hereditary breast cancer. Identifiers: Orphanet 227535, MedGen C0346153, MONDO:0016419, OMIM 114480. Disease mechanism: loss of function.

Submission:

Labcorp Genetics (formerly Invitae), Labcorp
Classification: Uncertain significance for Familial cancer of breast; Fanconi anemia complementation group J. Last evaluated: 2022-03-19. Review status: criteria provided, single submitter. Criteria: Invitae Variant Classification Sherloc (09022015). Collection method: clinical testing. Allele origin: germline.
Comment: In summary, the available evidence is currently insufficient to determine the role of this variant in disease. Therefore, it has been classified as a Variant of Uncertain Significance. This sequence change falls in intron 17 of the BRIP1 gene. It does not directly change the encoded amino acid sequence of the BRIP1 protein. This variant is not present in population databases (gnomAD no frequency). This variant has not been reported in the literature in individuals affected with BRIP1-related conditions. Algorithms developed to predict the effect of sequence changes on RNA splicing suggest that this variant may disrupt the consensus splice site.

NM_032043.3(BRIP1):c.2493-17_2493-16del

Gene: BRIP1 (BRCA1 interacting DNA helicase 1; minus strand). Cytogenetic location: 17q23.2.
Variant type: Deletion.
Coding change: c.2493-17_2493-16del on transcript NM_032043.3 (MANE Select); 17 bases into the intron before coding-DNA position 2493 through 16 bases into the intron before coding-DNA position 2493, 2 bases deleted (TT; older notation c.2493-17_2493-16delTT).
Molecular consequence: intron variant.
Genome position (GRCh38, 1-based): chr17:61,693,528-61,693,529, AA deleted on the plus strand (TT on the coding strand, the reverse complement: BRIP1 is on the minus strand); deleting any 2 consecutive bases within chr17:61,693,528-61,693,532 gives the same sequence; the c. name uses the placement nearest the transcript's 3' end. VCF-style (leftmost placement, unchanged base first): chr17-61693527-GAA-G. GRCh37 (hg19) VCF-style: chr17-59770888-GAA-G.
Identifiers: ClinVar variation 2114690 (VCV002114690.4), dbSNP rs1163650407, ClinGen allele CA2580094607.
Genomic context (GRCh38, chr17:61,693,527, plus strand): 5'-ATCCACTAGAATAAGAGCTCCCCAATCATTTCTGTGTCTAATACATCTAGAAAAAATAGG[GAA>G]AAAGTCAAATAATTATAACATCGGAAATAAATCCAGTTTTCCAGTGGGACAGACAGAAAA-3'